The following is an entry in ClinVar:

ClinVar aggregate classification (germline): Uncertain significance (1 of 4 stars; one submission).

Conditions:
Deficiency of hydroxymethylglutaryl-CoA lyase (HMGCLD). Also called: HMGCL DEFICIENCY; HYDROXYMETHYLGLUTARIC ACIDURIA; Defect in leucine metabolism; 3-hydroxy-3-methylglutaric aciduria; HMG-CoA LYASE DEFICIENCY. Identifiers: Orphanet 20, MedGen C1533587, MONDO:0009520, OMIM 246450.

Submission:

Labcorp Genetics (formerly Invitae), Labcorp
Classification: Uncertain significance for Deficiency of hydroxymethylglutaryl-CoA lyase. Last evaluated: 2022-07-03. Review status: criteria provided, single submitter. Criteria: Invitae Variant Classification Sherloc (09022015). Collection method: clinical testing. Allele origin: germline.
Comment: This sequence change replaces alanine, which is neutral and non-polar, with aspartic acid, which is acidic and polar, at codon 321 of the HMGCL protein (p.Ala321Asp). This variant is not present in population databases (gnomAD no frequency). This variant has not been reported in the literature in individuals affected with HMGCL-related conditions. Algorithms developed to predict the effect of missense changes on protein structure and function (SIFT, PolyPhen-2, Align-GVGD) all suggest that this variant is likely to be disruptive. In summary, the available evidence is currently insufficient to determine the role of this variant in disease. Therefore, it has been classified as a Variant of Uncertain Significance.

NM_000191.3(HMGCL):c.962C>A (p.Ala321Asp)

Gene: HMGCL (3-hydroxy-3-methylglutaryl-CoA lyase; minus strand). Cytogenetic location: 1p36.11.
Variant type: single nucleotide variant.
Coding change: c.962C>A on transcript NM_000191.3 (MANE Select); coding-DNA position 962, C replaced by A.
Protein change: p.Ala321Asp; replaces alanine 321 with aspartic acid.
Molecular consequence: missense variant.
Genome position (GRCh38, 1-based): chr1:23,802,479, G>T on the plus strand (C>A on the coding strand, the complement: HMGCL is on the minus strand). VCF-style: chr1-23802479-G-T. GRCh37 (hg19) VCF-style: chr1-24128969-G-T.
Other names: c.749C>A, p.Ala250Asp (NM_001166059.2); short protein forms A250D, A321D.
Identifiers: ClinVar variation 2013718 (VCV002013718.4), dbSNP rs2521366255, ClinGen allele CA339019226.
Genomic context (GRCh38, chr1:23,802,479, plus strand): 5'-CCCTATTTCCACATCATCCCCAGGGCTTCAGGTGGGCAAGGGGCTCAGAGTTTACAGGTA[G>T]CCTGAGCCACTTTGGAGCTAGTTTTTCTGTTCAGGGCTTGACAGATAAAGTTTCCAGCTT-3'
Protein context (NP_000182.2, residues 311-325): NRKTSSKVAQ[Ala321Asp]TCKL